The following is an entry in ClinVar:

ClinVar aggregate classification (germline): Pathogenic (1 of 4 stars; one submission).

Conditions:
Myofibrillar myopathy 5. Also called: FILAMINOPATHY, AUTOSOMAL DOMINANT; Filaminopathy (type). Identifiers: Orphanet 171445, MedGen C1836050, MONDO:0012289, OMIM 609524.
Distal myopathy with posterior leg and anterior hand involvement. Also called: WILLIAMS DISTAL MYOPATHY. Identifiers: Orphanet 63273, MedGen C3279722, MONDO:0013550, OMIM 614065.
Hypertrophic cardiomyopathy 26. Also called: Cardiomyopathy, familial hypertrophic, 26. Identifiers: Orphanet 75249, MedGen C4310749, MONDO:0014883, OMIM 617047.

Submission:

Labcorp Genetics (formerly Invitae), Labcorp
Classification: Pathogenic for Distal myopathy with posterior leg and anterior hand involvement; Myofibrillar myopathy 5; Hypertrophic cardiomyopathy 26. Last evaluated: 2021-10-30. Review status: criteria provided, single submitter. Criteria: Invitae Variant Classification Sherloc (09022015). Collection method: clinical testing. Allele origin: germline.
Comment: For these reasons, this variant has been classified as Pathogenic. This variant has not been reported in the literature in individuals affected with FLNC-related conditions. This variant is not present in population databases (gnomAD no frequency). This sequence change creates a premature translational stop signal (p.Gly1075Trpfs*40) in the FLNC gene. It is expected to result in an absent or disrupted protein product. Loss-of-function variants in FLNC are known to be pathogenic (PMID: 27908349).

Literature cited by the submitters: PubMed 27908349.

NM_001458.5(FLNC):c.3221dup (p.Gly1075fs)

Gene: FLNC (filamin C; plus strand). Cytogenetic location: 7q32.1.
Variant type: Duplication.
Coding change: c.3221dup on transcript NM_001458.5 (MANE Select); coding-DNA position 3221, one base duplicated (G; older notation c.3221dupG).
Protein change: p.Gly1075fs; shifts the reading frame from glycine 1075.
Molecular consequence: frameshift variant.
Genome position (GRCh38, 1-based): chr7:128,844,686, G duplicated; the last of 3 consecutive G bases (chr7:128,844,684-128,844,686); duplicating any one gives the same sequence. VCF-style (leftmost placement, unchanged base first): chr7-128844683-A-AG. GRCh37 (hg19) VCF-style: chr7-128484737-A-AG.
Other names: c.3221dup, p.Gly1075fs (NM_001127487.2); short protein forms G1075fs.
Identifiers: ClinVar variation 1422974 (VCV001422974.6), dbSNP rs2128936346, ClinGen allele CA2573141728.